The following is an entry in ClinVar:

NM_201384.3(PLEC):c.4133C>T (p.Ala1378Val)

Gene: PLEC (plectin; minus strand). Cytogenetic location: 8q24.3.
Variant type: single nucleotide variant.
Coding change: c.4133C>T on transcript NM_201384.3 (MANE Select); coding-DNA position 4133, C replaced by T.
Protein change: p.Ala1378Val; replaces alanine 1378 with valine.
Molecular consequence: missense variant.
Genome position (GRCh38, 1-based): chr8:143,925,796, G>A on the plus strand (C>T on the coding strand, the complement: PLEC is on the minus strand). VCF-style: chr8-143925796-G-A. GRCh37 (hg19) VCF-style: chr8-144999964-G-A.
Other names: c.4214C>T, p.Ala1405Val (NM_000445.5); c.4091C>T, p.Ala1364Val (NM_201378.4); c.4067C>T, p.Ala1356Val (NM_201379.3); c.4544C>T, p.Ala1515Val (NM_201380.4); c.4037C>T, p.Ala1346Val (NM_201381.3); c.4133C>T, p.Ala1378Val (NM_201382.4); c.4145C>T, p.Ala1382Val (NM_201383.3); short protein forms A1346V, A1378V, A1405V, A1515V, A1356V, A1364V, A1382V.
Identifiers: ClinVar variation 664874 (VCV000664874.8), dbSNP rs782590460, ClinGen allele CA4926759.

ClinVar aggregate classification (germline): Uncertain significance. Review status: criteria provided, multiple submitters, no conflicts (2 of 4 stars). 2 submissions from 2 submitters: Uncertain significance (2). Last evaluated 2025-10-06.

Conditions:
Epidermolysis bullosa simplex, Ogna type (EBS5A). Also called: Pidermolysis bullosa simplex 5A, Ogna type; EPIDERMOLYSIS BULLOSA SIMPLEX 5A, OGNA TYPE. Identifiers: Orphanet 79401, MedGen C0432317, MONDO:0007555, OMIM 131950.
Autosomal recessive limb-girdle muscular dystrophy type 2Q (LGMDR17). Also called: MUSCULAR DYSTROPHY, LIMB-GIRDLE, AUTOSOMAL RECESSIVE 17. Identifiers: Orphanet 254361, MedGen C3150989, MONDO:0013390, OMIM 613723.
Epidermolysis bullosa simplex with nail dystrophy (EBS5D). Identifiers: MedGen C4225309, MONDO:0014661, OMIM 616487.
Epidermolysis bullosa simplex 5B, with muscular dystrophy (EBS5B). Also called: Epidermolysis bullosa simplex with muscular dystrophy; EPIDERMOLYSIS BULLOSA SIMPLEX AND LIMB-GIRDLE MUSCULAR DYSTROPHY. Identifiers: Orphanet 257, MedGen C2931072, MONDO:0009181, OMIM 226670.
Epidermolysis bullosa simplex 5C, with pyloric atresia (EBS5C). Also called: PLEC-Related Epidermolysis Bullosa with Pyloric Atresia; PLEC1-Related Epidermolysis Bullosa with Pyloric Atresia; Epidermolysis bullosa simplex with pyloric atresia. Identifiers: Orphanet 158684, MedGen C2677349, MONDO:0012807, OMIM 612138.

Allele frequency attached by ClinVar (database versions not stated): gnomAD 0.00001 and 0.00002; ExAC 0.00003; TOPMed 0.00003; gnomAD exomes 0.00004.
gnomAD v4.1: 37 of 1,573,716 alleles (0.0024%); highest among the groups gnomAD compares: East Asian, 0.0069%; no homozygotes.

Submissions (2):

Labcorp Genetics (formerly Invitae), Labcorp
Classification: Uncertain significance for Autosomal recessive limb-girdle muscular dystrophy type 2Q; Epidermolysis bullosa simplex, Ogna type; Epidermolysis bullosa simplex with nail dystrophy; Epidermolysis bullosa simplex 5C, with pyloric atresia; Epidermolysis bullosa simplex 5B, with muscular dystrophy. Last evaluated: 2025-10-06. Review status: criteria provided, single submitter. Criteria: Invitae Variant Classification Sherloc (09022015). Collection method: clinical testing. Allele origin: germline.
Comment: This sequence change replaces alanine, which is neutral and non-polar, with valine, which is neutral and non-polar, at codon 1405 of the PLEC protein (p.Ala1405Val). This variant is present in population databases (rs782590460, gnomAD 0.01%). This variant has not been reported in the literature in individuals affected with PLEC-related conditions. ClinVar contains an entry for this variant (Variation ID: 664874). Experimental studies and prediction algorithms are not available or were not evaluated, and the functional significance of this variant is currently unknown. In summary, the available evidence is currently insufficient to determine the role of this variant in disease. Therefore, it has been classified as a Variant of Uncertain Significance.

Revvity Omics, Revvity
Classification: Uncertain significance. Last evaluated: 2023-10-25. Review status: criteria provided, single submitter. Criteria: ACMG Guidelines, 2015. Collection method: clinical testing. Allele origin: germline.